The following is an entry in ClinVar:

NM_145117.5(NAV2):c.1327G>T (p.Glu443Ter)

Gene: NAV2 (neuron navigator 2; plus strand). Cytogenetic location: 11p15.1.
Variant type: single nucleotide variant.
Coding change: c.1327G>T on transcript NM_145117.5 (MANE Select); coding-DNA position 1327, G replaced by T.
Protein change: p.Glu443Ter; replaces glutamic acid 443 with a stop codon.
Molecular consequence: nonsense.
Genome position (GRCh38, 1-based): chr11:19,933,571, G>T. VCF-style: chr11-19933571-G-T. GRCh37 (hg19) VCF-style: chr11-19955117-G-T.
Other names: c.1135G>T, p.Glu379Ter (NM_001111018.2); c.1396G>T, p.Glu466Ter (NM_001244963.2); c.1327G>T, p.Glu443Ter (NM_182964.6); short protein forms E379*, E443*, E466*.
Identifiers: ClinVar variation 2498507 (VCV002498507.28), dbSNP rs1442715154, ClinGen allele CA379893520.

ClinVar aggregate classification (germline): Uncertain significance (1 of 4 stars; one submission).

Submission:

CeGaT Center for Human Genetics Tuebingen
Classification: Uncertain significance. Last evaluated: 2023-03-01. Review status: criteria provided, single submitter. Criteria: CeGaT Center For Human Genetics Tuebingen Variant Classification Criteria Version 2. Collection method: clinical testing. Allele origin: germline. Affected: yes. Observed: 1 variant allele.
Comment: NAV2: PM2